The following is an entry in ClinVar:

ClinVar aggregate classification (germline): Uncertain significance (1 of 4 stars; one submission).

Conditions:
Tufted angioma of skin. Also called: Tufted angioma. Identifiers: Orphanet 1063, MedGen C0346073, MONDO:0011927, OMIM 607859, HP:0012329.

Allele frequency attached by ClinVar (database versions not stated): 1000 Genomes Project 0.00060; 1000 Genomes Project 30x 0.00062; gnomAD 0.00099; TOPMed 0.00107; ESP Exome Variant Server 0.00138; gnomAD exomes 0.00139; ExAC 0.00152.
gnomAD v4.1: 2,186 of 1,613,870 alleles (0.14%); highest among the groups gnomAD compares: South Asian, 0.39%; 12 homozygotes.

Submission:

Clinical Genomics Laboratory, Washington University in St. Louis
Classification: Uncertain significance for Tufted angioma of skin. Last evaluated: 2023-11-03. Review status: criteria provided, single submitter. Criteria: ACMG Guidelines, 2015. Collection method: clinical testing. Allele origin: germline.
Comment: A GNA14 c.215C>T (p.Thr72Met) variant was identified at a near heterozygous allelic fraction of 51%, a frequency which may be consistent with it being of germline origin. The GNA14 c.215C>T (p.Thr72Met) variant, to our knowledge, has not been reported in the medical literature. The highest population minor allele frequency in the population database genome aggregation database (v.4.0.0) is 0.4% in the South Asian population. Computational predictors are uncertain as to the impact of this variant on GNA14 function. Due to limited information, and based on ACMG/AMP guidelines for variant interpretation (Richards S et al., PMID: 25741868), this variant is classified as being of uncertain significance at this time.

NM_004297.4(GNA14):c.215C>T (p.Thr72Met)

Gene: GNA14 (G protein subunit alpha 14; minus strand). Cytogenetic location: 9q21.2.
Variant type: single nucleotide variant.
Coding change: c.215C>T on transcript NM_004297.4 (MANE Select); coding-DNA position 215, C replaced by T.
Protein change: p.Thr72Met; replaces threonine 72 with methionine.
Molecular consequence: missense variant.
Genome position (GRCh38, 1-based): chr9:77,529,163, G>A on the plus strand (C>T on the coding strand, the complement: GNA14 is on the minus strand). VCF-style: chr9-77529163-G-A. GRCh37 (hg19) VCF-style: chr9-80144079-G-A.
Other names: short protein forms T72M.
Identifiers: ClinVar variation 2672184 (VCV002672184.1), dbSNP rs45466295, ClinGen allele CA5094410.